The following is an entry in ClinVar:

NM_001099274.3(TINF2):c.278T>C (p.Ile93Thr)

Gene: TINF2 (TERF1 interacting nuclear factor 2; minus strand). Cytogenetic location: 14q12.
Variant type: single nucleotide variant.
Coding change: c.278T>C on transcript NM_001099274.3 (MANE Select); coding-DNA position 278, T replaced by C.
Protein change: p.Ile93Thr; replaces isoleucine 93 with threonine.
Molecular consequence: missense variant. On other transcripts: intron variant (1).
Genome position (GRCh38, 1-based): chr14:24,241,909, A>G on the plus strand (T>C on the coding strand, the complement: TINF2 is on the minus strand). VCF-style: chr14-24241909-A-G. GRCh37 (hg19) VCF-style: chr14-24711115-A-G.
Other names: c.278T>C, p.Ile93Thr (NM_012461.3); c.193-133T>C (NM_001363668.2); short protein forms I93T.
Identifiers: ClinVar variation 1043543 (VCV001043543.7), dbSNP rs762140055, ClinGen allele CA7130719.

ClinVar aggregate classification (germline): Uncertain significance. Review status: criteria provided, multiple submitters, no conflicts (2 of 4 stars). 2 submissions from 2 submitters: Uncertain significance (2). Last evaluated 2024-06-13.

Conditions:
Revesz syndrome. Also called: EXUDATIVE RETINOPATHY WITH BONE MARROW FAILURE; DYSKERATOSIS CONGENITA, AUTOSOMAL DOMINANT 5. Identifiers: Orphanet 3088, MedGen C1327916, MONDO:0009990, OMIM 268130.
Dyskeratosis congenita, autosomal dominant 3. Identifiers: MedGen C3151445, MONDO:0013522, OMIM 613990.
Dyskeratosis congenita. Identifiers: Orphanet 1775, MedGen C0265965, MONDO:0015780.

Allele frequency attached by ClinVar (database versions not stated): ExAC 0.00001; gnomAD exomes 0.00001; gnomAD 0.00003; TOPMed 0.00006.

Submissions (2):

Labcorp Genetics (formerly Invitae), Labcorp
Classification: Uncertain significance for Dyskeratosis congenita. Last evaluated: 2024-06-13. Review status: criteria provided, single submitter. Criteria: Invitae Variant Classification Sherloc (09022015). Collection method: clinical testing. Allele origin: germline.
Comment: This sequence change replaces isoleucine, which is neutral and non-polar, with threonine, which is neutral and polar, at codon 93 of the TINF2 protein (p.Ile93Thr). This variant is present in population databases (rs762140055, gnomAD 0.01%). This variant has not been reported in the literature in individuals affected with TINF2-related conditions. ClinVar contains an entry for this variant (Variation ID: 1043543). An algorithm developed to predict the effect of missense changes on protein structure and function (PolyPhen-2) suggests that this variant is likely to be tolerated. In summary, the available evidence is currently insufficient to determine the role of this variant in disease. Therefore, it has been classified as a Variant of Uncertain Significance.

Fulgent Genetics
Classification: Uncertain significance for Revesz syndrome; Dyskeratosis congenita, autosomal dominant 3. Last evaluated: 2024-03-18. Review status: criteria provided, single submitter. Criteria: ACMG Guidelines, 2015. Collection method: clinical testing. Allele origin: germline.